The following is an entry in ClinVar:

ClinVar aggregate classification (germline): Uncertain significance (0 of 4 stars; one submission).

Conditions:
KIF5C-related disorder. Also called: KIF5C-related condition.

Submission:

PreventionGenetics, part of Exact Sciences
Classification: Uncertain significance for KIF5C-related condition. Last evaluated: 2024-09-25. Review status: no assertion criteria provided. Collection method: clinical testing. Allele origin: germline.
Comment: The KIF5C c.2477G>C variant is predicted to result in the amino acid substitution p.Gly826Ala. To our knowledge, this variant has not been reported in the literature or in a large population database, indicating this variant is rare. At this time, the clinical significance of this variant is uncertain due to the absence of conclusive functional and genetic evidence.

NM_004522.3(KIF5C):c.2477G>C (p.Gly826Ala)

Gene: KIF5C (kinesin family member 5C; plus strand). Cytogenetic location: 2q23.2.
Variant type: single nucleotide variant.
Coding change: c.2477G>C on transcript NM_004522.3 (MANE Select); coding-DNA position 2477, G replaced by C.
Protein change: p.Gly826Ala; replaces glycine 826 with alanine.
Molecular consequence: missense variant. On other transcripts: non-coding transcript variant (1).
Genome position (GRCh38, 1-based): chr2:149,007,994, G>C. VCF-style: chr2-149007994-G-C. GRCh37 (hg19) VCF-style: chr2-149864508-G-C.
Other names: short protein forms G826A.
Identifiers: ClinVar variation 3346271 (VCV003346271.1).